The following is an entry in ClinVar:

ClinVar aggregate classification (germline): Uncertain significance (1 of 4 stars; one submission).

Conditions:
Agammaglobulinemia 6, autosomal recessive (AGM6). Also called: AGAMMAGLOBULINEMIA, AUTOSOMAL RECESSIVE, DUE TO CD79B DEFECT; AGAMMAGLOBULINEMIA 6. Identifiers: MedGen C3150207, MONDO:0012987, OMIM 612692.

gnomAD v4.1: 1 of 1,613,732 alleles (0.000062%); no homozygotes.

Submission:

Labcorp Genetics (formerly Invitae), Labcorp
Classification: Uncertain significance for Agammaglobulinemia 6, autosomal recessive. Last evaluated: 2021-01-21. Review status: criteria provided, single submitter. Criteria: Invitae Variant Classification Sherloc (09022015). Collection method: clinical testing. Allele origin: germline.
Comment: In summary, the available evidence is currently insufficient to determine the role of this variant in disease. Therefore, it has been classified as a Variant of Uncertain Significance. Algorithms developed to predict the effect of missense changes on protein structure and function are either unavailable or do not agree on the potential impact of this missense change (SIFT: "Not Available"; PolyPhen-2: "Probably Damaging"; Align-GVGD: "Not Available"). This variant has not been reported in the literature in individuals with CD79B-related conditions. This variant is not present in population databases (ExAC no frequency). This sequence change replaces valine with isoleucine at codon 222 of the CD79B protein (p.Val222Ile). The valine residue is moderately conserved and there is a small physicochemical difference between valine and isoleucine.

NM_000626.4(CD79B):c.664G>A (p.Val222Ile)

Genes: CD79B (CD79b molecule; minus strand), GH-LCR (growth hormone locus control region; plus strand). Cytogenetic location: 17q23.3.
Variant type: single nucleotide variant.
Coding change: c.664G>A on transcript NM_000626.4 (MANE Select); coding-DNA position 664, G replaced by A.
Protein change: p.Val222Ile; replaces valine 222 with isoleucine.
Molecular consequence: missense variant.
Genome position (GRCh38, 1-based): chr17:63,929,252, C>T on the plus strand (G>A on the coding strand, the complement: CD79B is on the minus strand). VCF-style: chr17-63929252-C-T. GRCh37 (hg19) VCF-style: chr17-62006612-C-T.
Other names: c.667G>A, p.Val223Ile (NM_001039933.3); c.355G>A, p.Val119Ile (NM_001329050.2); c.352G>A, p.Val118Ile (NM_021602.4); short protein forms V118I, V119I, V223I, V222I.
Identifiers: ClinVar variation 1462264 (VCV001462264.6), dbSNP rs144588938, ClinGen allele CA400603054.